The following is an entry in ClinVar:

ClinVar aggregate classification (germline): Likely pathogenic (1 of 4 stars; one submission).

Conditions:
Familial meningioma. Also called: Meningioma, familial, susceptibility to. Identifiers: Orphanet 263662, MedGen C3551915, MONDO:0011789, OMIM 607174.
CEBALID syndrome (CEBALID). Also called: MN1 C-TERMINAL TRUNCATION SYNDROME; CRANIOFACIAL DEFECTS, DYSMORPHIC EARS, STRUCTURAL BRAIN ABNORMALITIES, EXPRESSIVE LANGUAGE DELAY, AND IMPAIRED INTELLECTUAL DEVELOPMENT. Identifiers: Orphanet 693549, MedGen C5394044, MONDO:0032908, OMIM 618774.

Submission:

Juno Genomics, Hangzhou Juno Genomics, Inc
Classification: Likely pathogenic for Familial meningioma; CEBALID syndrome. Review status: criteria provided, single submitter. Criteria: ACMG Guidelines, 2015. Collection method: clinical testing. Allele origin: germline. Affected: yes.
Comment: Absent from controls (or at extremely low frequency if recessive) in Genome Aggregation Database.;Null variant in a gene where loss of function (LOF) is a known mechanism of disease.

NM_002430.3(MN1):c.942del (p.Phe314fs)

Gene: MN1 (MN1 proto-oncogene, transcriptional regulator; minus strand). Cytogenetic location: 22q12.1.
Variant type: Deletion.
Coding change: c.942del on transcript NM_002430.3 (MANE Select); coding-DNA position 942, one base deleted (T; older notation c.942delT).
Protein change: p.Phe314fs; shifts the reading frame from phenylalanine 314.
Molecular consequence: frameshift variant.
Genome position (GRCh38, 1-based): chr22:27,799,602, A deleted on the plus strand (T on the coding strand, the reverse complement: MN1 is on the minus strand); the first of 3 consecutive A bases (chr22:27,799,602-27,799,604); deleting any one gives the same sequence. VCF-style (leftmost placement, unchanged base first): chr22-27799601-CA-C. GRCh37 (hg19) VCF-style: chr22-28195589-CA-C.
Other names: short protein forms F314fs.
Identifiers: ClinVar variation 5018548 (VCV005018548.1).